The following is an entry in ClinVar:

ClinVar aggregate classification (germline): Uncertain significance (1 of 4 stars; one submission).

Allele frequency attached by ClinVar (database versions not stated): gnomAD 0.00001.
gnomAD v4.1: 1 of 1,613,978 alleles (0.000062%); highest among the groups gnomAD compares: African/African-American, 0.0013%; no homozygotes.

Submission:

GeneDx
Classification: Uncertain significance. Last evaluated: 2019-11-22. Review status: criteria provided, single submitter. Criteria: GeneDx Variant Classification Process June 2021. Collection method: clinical testing. Allele origin: germline. Affected: yes.
Comment: Not observed at a significant frequency in large population cohorts (Lek et al., 2016); In silico analysis, which includes protein predictors and evolutionary conservation, supports that this variant does not alter protein structure/function; Has not been previously published as pathogenic or benign to our knowledge

NM_001378120.1(MBD5):c.2762C>T (p.Ser921Phe)

Gene: MBD5 (methyl-CpG binding domain protein 5; plus strand). Cytogenetic location: 2q23.1.
Variant type: single nucleotide variant.
Coding change: c.2762C>T on transcript NM_001378120.1 (MANE Select); coding-DNA position 2762, C replaced by T.
Protein change: p.Ser921Phe; replaces serine 921 with phenylalanine.
Molecular consequence: missense variant.
Genome position (GRCh38, 1-based): chr2:148,483,353, C>T. VCF-style: chr2-148483353-C-T. GRCh37 (hg19) VCF-style: chr2-149240922-C-T.
Other names: c.2762C>T, p.Ser921Phe (NM_018328.5); short protein forms S921F.
Identifiers: ClinVar variation 1310498 (VCV001310498.2), dbSNP rs545034063, ClinGen allele CA1900213.